The following is an entry in ClinVar:

ClinVar aggregate classification (germline): Pathogenic (1 of 4 stars; one submission).

Conditions:
Cardiovascular phenotype. Identifiers: MedGen CN230736.

Submission:

Ambry Genetics
Classification: Pathogenic for Cardiovascular phenotype. Last evaluated: 2024-02-20. Review status: criteria provided, single submitter. Criteria: Ambry Variant Classification Scheme 2023. Collection method: clinical testing. Allele origin: germline.
Comment: The c.2445delT pathogenic mutation, located in coding exon 10 of the MYPN gene, results from a deletion of one nucleotide at nucleotide position 2445, causing a translational frameshift with a predicted alternate stop codon (p.P816Lfs*45). This variant is considered to be rare based on population cohorts in the Genome Aggregation Database (gnomAD). This alteration is expected to result in loss of function by premature protein truncation or nonsense-mediated mRNA decay. As such, this alteration is interpreted as a disease-causing mutation.

NM_032578.4(MYPN):c.2445del (p.Pro816fs)

Gene: MYPN (myopalladin; plus strand). Cytogenetic location: 10q21.3.
Variant type: Deletion.
Coding change: c.2445del on transcript NM_032578.4 (MANE Select); coding-DNA position 2445, one base deleted (T; older notation c.2445delT).
Protein change: p.Pro816fs; shifts the reading frame from proline 816.
Molecular consequence: frameshift variant. On other transcripts: non-coding transcript variant (2).
Genome position (GRCh38, 1-based): chr10:68,174,537, T deleted; the last of 2 consecutive T bases (chr10:68,174,536-68,174,537); deleting either gives the same sequence. VCF-style (leftmost placement, unchanged base first): chr10-68174535-AT-A. GRCh37 (hg19) VCF-style: chr10-69934292-AT-A.
Other names: c.2445del, p.Pro816fs (NM_001256267.2); c.1563del, p.Pro522fs (NM_001256268.2); short protein forms P522fs, P816fs.
Identifiers: ClinVar variation 3228160 (VCV003228160.1), dbSNP rs2495796729, ClinGen allele CA2825001698.
Genomic context (GRCh38, chr10:68,174,535, plus strand): 5'-CCACCATTCACATTTTCCATCCCCAGCGGAAACCAGTTTCAGCCCCGCTGTGTGTCCCCA[AT>A]TCCTGTCTCTCCTACCAGCCGGATTCAGAACCCAGTGGCTTTCCTCAGCTCTGTTCTGCC-3'